The following is an entry in ClinVar:

ClinVar aggregate classification (germline): Uncertain significance (1 of 4 stars; one submission).

Conditions:
Familial thoracic aortic aneurysm and aortic dissection (TAAD). Also called: Thoracic aortic aneurysms and dissections. Identifiers: Orphanet 91387, MedGen C4707243, MONDO:0019625.
Marfan syndrome (MFS). Also called: MARFAN SYNDROME, TYPE I; Marfan syndrome type 1; Marfan's syndrome; Marfan syndrome, classic; FBN1-Related Marfan Syndrome. Identifiers: Orphanet 284963, Orphanet 558, MedGen C0024796, MONDO:0007947, OMIM 154700.

Submission:

Labcorp Genetics (formerly Invitae), Labcorp
Classification: Uncertain significance for Marfan syndrome; Familial thoracic aortic aneurysm and aortic dissection. Last evaluated: 2026-01-07. Review status: criteria provided, single submitter. Criteria: Invitae Variant Classification Sherloc (09022015). Collection method: clinical testing. Allele origin: germline.
Comment: This sequence change replaces aspartic acid, which is acidic and polar, with asparagine, which is neutral and polar, at codon 1528 of the FBN1 protein (p.Asp1528Asn). This variant also falls at the last nucleotide of exon 37, which is part of the consensus splice site for this exon. This variant is not present in population databases (gnomAD no frequency). This missense change has been observed in individuals with clinical features of Marfan syndrome (PMID: 25652356; internal data). ClinVar contains an entry for this variant (Variation ID: 2137692). An algorithm developed to predict the effect of missense changes on protein structure and function (PolyPhen-2) suggests that this variant is likely to be disruptive. Variants that disrupt the consensus splice site are a relatively common cause of aberrant splicing (PMID: 17576681, 9536098). Algorithms developed to predict the effect of sequence changes on RNA splicing suggest that this variant may disrupt the consensus splice site. In summary, the available evidence is currently insufficient to determine the role of this variant in disease. Therefore, it has been classified as a Variant of Uncertain Significance.

Literature cited by the submitters: PubMed 25652356; PubMed 17576681; PubMed 9536098.

NM_000138.5(FBN1):c.4582G>A (p.Asp1528Asn)

Gene: FBN1 (fibrillin 1; minus strand). Cytogenetic location: 15q21.1.
Variant type: single nucleotide variant.
Coding change: c.4582G>A on transcript NM_000138.5 (MANE Select); coding-DNA position 4582, G replaced by A.
Protein change: p.Asp1528Asn; replaces aspartic acid 1528 with asparagine.
Molecular consequence: missense variant.
Genome position (GRCh38, 1-based): chr15:48,468,412, C>T on the plus strand (G>A on the coding strand, the complement: FBN1 is on the minus strand). VCF-style: chr15-48468412-C-T. GRCh37 (hg19) VCF-style: chr15-48760609-C-T.
Other names: c.4582G>A, p.Asp1528Asn (NM_001406716.1); short protein forms D1528N.
Identifiers: ClinVar variation 2137692 (VCV002137692.4), dbSNP rs2505502935, ClinGen allele CA392353278.